The following is an entry in ClinVar:

NM_000465.4(BARD1):c.1535T>C (p.Leu512Pro)

Gene: BARD1 (BRCA1 associated RING domain 1; minus strand). Cytogenetic location: 2q35.
Variant type: single nucleotide variant.
Coding change: c.1535T>C on transcript NM_000465.4 (MANE Select); coding-DNA position 1535, T replaced by C.
Protein change: p.Leu512Pro; replaces leucine 512 with proline.
Molecular consequence: missense variant. On other transcripts: non-coding transcript variant (3), intron variant (3).
Genome position (GRCh38, 1-based): chr2:214,767,515, A>G on the plus strand (T>C on the coding strand, the complement: BARD1 is on the minus strand). VCF-style: chr2-214767515-A-G. GRCh37 (hg19) VCF-style: chr2-215632239-A-G.
Other names: c.1478T>C, p.Leu493Pro (NM_001282543.2); c.159-14960T>C (NM_001282548.2); c.216-14960T>C (NM_001282545.2); c.364+24782T>C (NM_001282549.2); short protein forms L512P, L493P.
Identifiers: ClinVar variation 184892 (VCV000184892.19), dbSNP rs786201769, ClinGen allele CA190402.

ClinVar aggregate classification (germline): Uncertain significance. Review status: criteria provided, multiple submitters, no conflicts (2 of 4 stars). 3 submissions from 3 submitters: Uncertain significance (3). Last evaluated 2024-08-21.

Conditions:
Hereditary cancer-predisposing syndrome. Also called: Hereditary neoplastic syndrome; Neoplastic Syndromes, Hereditary; Tumor predisposition; Hereditary Cancer Syndrome. Identifiers: Orphanet 140162, MedGen C0027672, MeSH D009386, MONDO:0015356.
Familial cancer of breast. Also called: BREAST CANCER, FAMILIAL; Hereditary breast cancer; hereditary breast carcinoma. Identifiers: Orphanet 227535, MedGen C0346153, MONDO:0016419, OMIM 114480. Disease mechanism: loss of function.

Allele frequency attached by ClinVar (database versions not stated): gnomAD exomes below 0.00001 and 0.00001.
gnomAD v4.1: 1 of 1,613,952 alleles (0.000062%); highest among the groups gnomAD compares: Non-Finnish European, 0.000085%; no homozygotes.

Submissions (3):

Labcorp Genetics (formerly Invitae), Labcorp
Classification: Uncertain significance for Familial cancer of breast. Last evaluated: 2024-08-21. Review status: criteria provided, single submitter. Criteria: Invitae Variant Classification Sherloc (09022015). Collection method: clinical testing. Allele origin: germline.
Comment: This sequence change replaces leucine, which is neutral and non-polar, with proline, which is neutral and non-polar, at codon 512 of the BARD1 protein (p.Leu512Pro). This variant is present in population databases (rs786201769, gnomAD 0.006%). This variant has not been reported in the literature in individuals affected with BARD1-related conditions. ClinVar contains an entry for this variant (Variation ID: 184892). An algorithm developed to predict the effect of missense changes on protein structure and function (PolyPhen-2) suggests that this variant is likely to be disruptive. In summary, the available evidence is currently insufficient to determine the role of this variant in disease. Therefore, it has been classified as a Variant of Uncertain Significance.

Color Diagnostics, LLC DBA Color Health
Classification: Uncertain significance for Hereditary cancer-predisposing syndrome. Last evaluated: 2023-12-05. Review status: criteria provided, single submitter. Criteria: ACMG Guidelines, 2015. Collection method: clinical testing. Allele origin: germline.
Comment: This missense variant replaces leucine with proline at codon 512 of the BARD1 protein. Computational prediction is inconclusive regarding the impact of this variant on protein structure and function (internally defined REVEL score threshold 0.5 < inconclusive < 0.7, PMID: 27666373). To our knowledge, functional studies have not been reported for this variant. This variant has not been reported in individuals affected with BARD1-related disorders in the literature. This variant has been identified in 2/251312 chromosomes in the general population by the Genome Aggregation Database (gnomAD). The available evidence is insufficient to determine the role of this variant in disease conclusively. Therefore, this variant is classified as a Variant of Uncertain Significance.

Ambry Genetics
Classification: Uncertain significance for Hereditary cancer-predisposing syndrome. Last evaluated: 2023-07-01. Review status: criteria provided, single submitter. Criteria: Ambry Variant Classification Scheme 2023. Collection method: clinical testing. Allele origin: germline.
Comment: The p.L512P variant (also known as c.1535T>C), located in coding exon 6 of the BARD1 gene, results from a T to C substitution at nucleotide position 1535. The leucine at codon 512 is replaced by proline, an amino acid with similar properties. This amino acid position is well conserved in available vertebrate species. In addition, this alteration is predicted to be deleterious by in silico analysis. Since supporting evidence is limited at this time, the clinical significance of this alteration remains unclear.